The following is an entry in ClinVar:

NM_002160.4(TNC):c.2131+7G>A

Gene: TNC (tenascin C; minus strand). Cytogenetic location: 9q33.1.
Variant type: single nucleotide variant.
Coding change: c.2131+7G>A on transcript NM_002160.4 (MANE Select); 7 bases into the intron after coding-DNA position 2131, G replaced by A.
Molecular consequence: intron variant.
Genome position (GRCh38, 1-based): chr9:115,084,202, C>T on the plus strand (G>A on the coding strand, the complement: TNC is on the minus strand). VCF-style: chr9-115084202-C-T. GRCh37 (hg19) VCF-style: chr9-117846481-C-T.
Other names: c.2131+7G>A (NM_001439099.1, NM_001439096.1, NM_001439098.1 and 35 more transcripts).
Identifiers: ClinVar variation 5001237 (VCV005001237.1).

ClinVar aggregate classification (germline): Uncertain significance (1 of 4 stars; one submission).

Conditions:
TNC-related disorder. Also called: TNC-related condition.

gnomAD v4.1: 3 of 1,612,536 alleles (0.00019%); highest among the groups gnomAD compares: Admixed American, 0.0017%; no homozygotes.

Submission:

PreventionGenetics, part of Exact Sciences
Classification: Uncertain significance for TNC-related condition. Last evaluated: 2025-04-24. Review status: criteria provided, single submitter. Criteria: ACMG Guidelines, 2015. Collection method: clinical testing. Allele origin: germline.
Comment: The TNC c.2131+7G>A variant is predicted to interfere with splicing. This variant is predicted to impact splicing based on available splicing prediction programs (SpliceAI, Jaganathan et al. 2019. PubMed ID: 30661751). To our knowledge, this variant has not been reported in the literature. This variant is reported in 0.0033% of alleles in individuals of South Asian descent in gnomAD. At this time, the clinical significance of this variant is uncertain due to the absence of conclusive functional and genetic evidence.